The following is an entry in ClinVar:

NM_000186.4(CFH):c.245-7G>A

Gene: CFH (complement factor H; plus strand). Cytogenetic location: 1q31.3.
Variant type: single nucleotide variant.
Coding change: c.245-7G>A on transcript NM_000186.4 (MANE Select); 7 bases into the intron before coding-DNA position 245, G replaced by A.
Molecular consequence: intron variant.
Genome position (GRCh38, 1-based): chr1:196,673,850, G>A. VCF-style: chr1-196673850-G-A. GRCh37 (hg19) VCF-style: chr1-196642980-G-A.
Other names: p.?; c.245-7G>A (NM_001014975.3).
Identifiers: ClinVar variation 294480 (VCV000294480.37), dbSNP rs35814900, ClinGen allele CA1304998.

ClinVar aggregate classification (germline): Benign/Likely benign. Review status: criteria provided, multiple submitters, no conflicts (2 of 4 stars). 18 submissions from 12 submitters: Benign (12); Likely benign (4). 2 of the submissions do not count toward it. Last evaluated 2026-07-01.

Conditions:
Age related macular degeneration 4. Identifiers: MedGen C1853147, MONDO:0012540, OMIM 610698.
Factor H deficiency (CFHD). Also called: COMPLEMENT FACTOR H DEFICIENCY; CFH DEFICIENCY. Identifiers: Orphanet 200421, MedGen C0398777, MONDO:0012350, OMIM 609814.
Hemolytic uremic syndrome, atypical, susceptibility to, 1. Also called: AHUS, SUSCEPTIBILITY TO, 1. Identifiers: Orphanet 2134, Orphanet 90038, MedGen C2749604, MONDO:0009335, OMIM 235400. Disease mechanism: Other.
CFH-Related Dense Deposit Disease / Membranoproliferative Glomerulonephritis Type II. Identifiers: MedGen CN071292.
Atypical hemolytic-uremic syndrome. Identifiers: Orphanet 2134, MedGen C2931788, MONDO:0016244.
Basal laminar drusen. Also called: DRUSEN OF BRUCH MEMBRANE; DRUSEN, CUTICULAR; DRUSEN, EARLY ADULT-ONSET, GROUPED. Identifiers: Orphanet 75376, MedGen C0730295, MONDO:0007472, OMIM 126700.

Allele frequency attached by ClinVar (database versions not stated): 1000 Genomes Project 30x 0.00734; 1000 Genomes Project 0.00819; TOPMed 0.01394; ESP Exome Variant Server 0.01438; ExAC 0.01484; gnomAD 0.01517 and 0.01519.
gnomAD v4.1: 28,643 of 1,553,794 alleles (1.8%); highest among the groups gnomAD compares: Non-Finnish European, 2.1%; 343 homozygotes.

Submissions (26):

CeGaT Center for Human Genetics Tuebingen
Classification: Benign. Last evaluated: 2026-07-01. Review status: criteria provided, single submitter. Criteria: CeGaT Center For Human Genetics Tuebingen Variant Classification Criteria Version 2. Collection method: clinical testing. Allele origin: germline. Affected: yes. Observed: 11 variant alleles.
Comment: CFH: BP4, BS1, BS2

Labcorp Genetics (formerly Invitae), Labcorp
Classification: Benign. Last evaluated: 2026-02-01. Review status: criteria provided, single submitter. Criteria: Invitae Variant Classification Sherloc (09022015). Collection method: clinical testing. Allele origin: germline.

Women's Health and Genetics/Laboratory Corporation of America, LabCorp
Classification: Benign. Last evaluated: 2026-01-22. Review status: criteria provided, single submitter. Criteria: LabCorp Variant Classification Summary - May 2015. Collection method: clinical testing. Allele origin: germline.

Genomenon, Inc
Classification: Benign for Basal laminar drusen; Age related macular degeneration 4; Atypical hemolytic-uremic syndrome; Factor H deficiency. Last evaluated: 2025-10-02. Review status: criteria provided, single submitter. Criteria: Genomenon Sequence Variant Interpretation Standards - Updated. Collection method: curation. Allele origin: germline. Affected: no.
Comment: CFH c.245-7G>A is an intronic variant located in intron 2. This variant is present at high allele frequency in population databases. In conclusion, we classify CFH c.245-7G>A as a benign variant.

Mayo Clinic Laboratories, Mayo Clinic
Classification: Benign. Last evaluated: 2025-02-10. Review status: criteria provided, single submitter. Criteria: ACMG Guidelines, 2015. Collection method: clinical testing. Allele origin: germline. Observed: 86 variant alleles.
Comment: BS1, BS2, BP4, BP7

Blueprint Genetics
Classification: Likely benign. Last evaluated: 2024-11-26. Review status: criteria provided, single submitter. Criteria: ACMG Guidelines, 2015. Collection method: clinical testing. Allele origin: germline.

Genome-Nilou Lab
Classification: Benign for Hemolytic uremic syndrome, atypical, susceptibility to, 1. Last evaluated: 2023-04-11. Review status: criteria provided, single submitter. Criteria: ACMG Guidelines, 2015. Collection method: clinical testing. Allele origin: germline. Affected: no.

Genome-Nilou Lab
Classification: Benign for Age related macular degeneration 4. Last evaluated: 2023-04-11. Review status: criteria provided, single submitter. Criteria: ACMG Guidelines, 2015. Collection method: clinical testing. Allele origin: germline. Affected: no.

Genome-Nilou Lab
Classification: Benign for Basal laminar drusen. Last evaluated: 2023-04-11. Review status: criteria provided, single submitter. Criteria: ACMG Guidelines, 2015. Collection method: clinical testing. Allele origin: germline. Affected: no.

Genome-Nilou Lab
Classification: Benign for Factor H deficiency. Last evaluated: 2023-04-11. Review status: criteria provided, single submitter. Criteria: ACMG Guidelines, 2015. Collection method: clinical testing. Allele origin: germline. Affected: no.

Genome Diagnostics Laboratory, The Hospital for Sick Children
Classification: Likely benign for Atypical hemolytic-uremic syndrome. Last evaluated: 2022-03-03. Review status: criteria provided, single submitter. Criteria: ACMG Guidelines, 2015. Collection method: clinical testing. Allele origin: germline.

Illumina Laboratory Services, Illumina
Classification: Benign for Hemolytic uremic syndrome, atypical, susceptibility to, 1. Last evaluated: 2018-01-13. Review status: criteria provided, single submitter. Criteria: ICSL Variant Classification Criteria 13 December 2019. Collection method: clinical testing. Allele origin: germline.
Comment: This variant was observed in the ICSL laboratory as part of a predisposition screen in an ostensibly healthy population. It had not been previously curated by ICSL or reported in the Human Gene Mutation Database (HGMD: prior to June 1st, 2018), and was therefore a candidate for classification through an automated scoring system. Utilizing variant allele frequency, disease prevalence and penetrance estimates, and inheritance mode, an automated score was calculated to assess if this variant is too frequent to cause the disease. Based on the score and internal cut-off values, a variant classified as benign is not then subjected to further curation. The score for this variant resulted in a classification of benign for this disease.

Illumina Laboratory Services, Illumina
Classification: Benign for Age related macular degeneration 4. Last evaluated: 2018-01-13. Review status: criteria provided, single submitter. Criteria: ICSL Variant Classification Criteria 13 December 2019. Collection method: clinical testing. Allele origin: germline.
Comment: the same text as in the submission from Illumina Laboratory Services, Illumina above.

Illumina Laboratory Services, Illumina
Classification: Benign for Membranoproliferative glomerulonephritis with complement factor h deficiency. Last evaluated: 2018-01-13. Review status: criteria provided, single submitter. Criteria: ICSL Variant Classification Criteria 13 December 2019. Collection method: clinical testing. Allele origin: germline.
Comment: the same text as in the submission from Illumina Laboratory Services, Illumina above.

Illumina Laboratory Services, Illumina
Classification: Likely benign for Basal laminar drusen. Last evaluated: 2018-01-13. Review status: criteria provided, single submitter. Criteria: ICSL Variant Classification Criteria 13 December 2019. Collection method: clinical testing. Allele origin: germline.
Comment: This variant was observed in the ICSL laboratory as part of a predisposition screen in an ostensibly healthy population. It had not been previously curated by ICSL or reported in the Human Gene Mutation Database (HGMD: prior to June 1st, 2018), and was therefore a candidate for classification through an automated scoring system. Utilizing variant allele frequency, disease prevalence and penetrance estimates, and inheritance mode, an automated score was calculated to assess if this variant is too frequent to cause the disease. Based on the score and internal cut-off values, a variant classified as likely benign is not then subjected to further curation. The score for this variant resulted in a classification of likely benign for this disease.

Breakthrough Genomics
Classification: Likely benign. Review status: criteria provided, single submitter. Criteria: ACMG Guidelines, 2015. Collection method: not provided. Allele origin: germline. Inheritance: Autosomal recessive inheritance. Affected: yes.

Dr. Peter K. Rogan Lab, Western University
No classification provided (evidence only). Condition: Lung cancer. Review status: no classification provided. Collection method: in vitro. Allele origin: not applicable. Functional consequence: retained intron. Not counted in ClinVar's aggregate classification.

Dr. Peter K. Rogan Lab, Western University
No classification provided (evidence only). Condition: Acute myeloid leukemia. Review status: no classification provided. Collection method: in vitro. Allele origin: not applicable. Functional consequence: retained intron. Not counted in ClinVar's aggregate classification.

Dr. Peter K. Rogan Lab, Western University
No classification provided (evidence only). Condition: Acute myeloid leukemia. Review status: no classification provided. Collection method: in vitro. Allele origin: not applicable. Functional consequence: retained intron. Not counted in ClinVar's aggregate classification.

Dr. Peter K. Rogan Lab, Western University
No classification provided (evidence only). Condition: Thymoma. Review status: no classification provided. Collection method: in vitro. Allele origin: not applicable. Functional consequence: retained intron. Not counted in ClinVar's aggregate classification.

Dr. Peter K. Rogan Lab, Western University
No classification provided (evidence only). Condition: Cholangiocarcinoma. Review status: no classification provided. Collection method: in vitro. Allele origin: not applicable. Functional consequence: retained intron. Not counted in ClinVar's aggregate classification.

Dr. Peter K. Rogan Lab, Western University
No classification provided (evidence only). Condition: Gastric cancer. Review status: no classification provided. Collection method: in vitro. Allele origin: not applicable. Functional consequence: retained intron. Not counted in ClinVar's aggregate classification.

Dr. Peter K. Rogan Lab, Western University
No classification provided (evidence only). Condition: Gastric cancer. Review status: no classification provided. Collection method: in vitro. Allele origin: not applicable. Functional consequence: retained intron. Not counted in ClinVar's aggregate classification.

Dr. Peter K. Rogan Lab, Western University
No classification provided (evidence only). Condition: Uterine carcinosarcoma. Review status: no classification provided. Collection method: in vitro. Allele origin: not applicable. Functional consequence: retained intron. Not counted in ClinVar's aggregate classification.

Genome Diagnostics Laboratory, University Medical Center Utrecht
Classification: Likely benign. Review status: no assertion criteria provided. Collection method: clinical testing. Allele origin: germline. Affected: yes. Study: VKGL Data-share Consensus. Not counted in ClinVar's aggregate classification.

Joint Genome Diagnostic Labs from Nijmegen and Maastricht, Radboudumc and MUMC+
Classification: Benign. Review status: no assertion criteria provided. Collection method: clinical testing. Allele origin: germline. Affected: yes. Study: VKGL Data-share Consensus. Not counted in ClinVar's aggregate classification.